The following is an entry in ClinVar:

ClinVar aggregate classification (germline): Uncertain significance (0 of 4 stars; one submission).

Allele frequency attached by ClinVar (database versions not stated): gnomAD 0.00001.

Submission:

Department of Pathology and Laboratory Medicine, Sinai Health System
Classification: Uncertain significance. Review status: no assertion criteria provided. Collection method: clinical testing. Allele origin: unknown. Affected: yes. Study: The Canadian Open Genetics Repository (COGR).
Comment: The STARD7 p.A349S variant was not identified in the literature nor was it identified in dbSNP or ClinVar. The variant was identified in control databases in 1 of 31396 chromosomes at a frequency of 0.00003185 (Genome Aggregation Database March 6, 2019, v2.1.1). The p.A349 residue is conserved in mammals however computational analyses (MUT Assesor, SIFT, MutationTaster, Revel, FATHMM, MetaLR, DANN) do not suggest a high likelihood of impact to the protein; this information is not very predictive of pathogenicity. The variant occurs outside of the splicing consensus sequence and in silico or computational prediction software programs (Splice AI exome) do not predict a difference in splicing. In summary, based on the above information the clinical significance of this variant cannot be determined with certainty at this time. This variant is classified as a variant of uncertain significance.

NM_020151.4(STARD7):c.1045G>T (p.Ala349Ser)

Gene: STARD7 (StAR related lipid transfer domain containing 7; minus strand). Cytogenetic location: 2q11.2.
Variant type: single nucleotide variant.
Coding change: c.1045G>T on transcript NM_020151.4 (MANE Select); coding-DNA position 1045, G replaced by T.
Protein change: p.Ala349Ser; replaces alanine 349 with serine.
Molecular consequence: missense variant.
Genome position (GRCh38, 1-based): chr2:96,186,798, C>A on the plus strand (G>T on the coding strand, the complement: STARD7 is on the minus strand). VCF-style: chr2-96186798-C-A. GRCh37 (hg19) VCF-style: chr2-96852536-C-A.
Other names: c.742G>T, p.Ala248Ser (NM_001385622.1); short protein forms A248S, A349S.
Identifiers: ClinVar variation 1050311 (VCV001050311.1), dbSNP rs765565436, ClinGen allele CA347648989.